The following is an entry in ClinVar:

NM_000127.3(EXT1):c.1296C>G (p.Asp432Glu)

Gene: EXT1 (exostosin glycosyltransferase 1; minus strand). Cytogenetic location: 8q24.11.
Variant type: single nucleotide variant.
Coding change: c.1296C>G on transcript NM_000127.3 (MANE Select); coding-DNA position 1296, C replaced by G.
Protein change: p.Asp432Glu; replaces aspartic acid 432 with glutamic acid.
Molecular consequence: missense variant.
Genome position (GRCh38, 1-based): chr8:117,822,586, G>C on the plus strand (C>G on the coding strand, the complement: EXT1 is on the minus strand). VCF-style: chr8-117822586-G-C. GRCh37 (hg19) VCF-style: chr8-118834825-G-C.
Other names: short protein forms D432E.
Identifiers: ClinVar variation 2153955 (VCV002153955.4), dbSNP rs748311058, ClinGen allele CA184285176.

ClinVar aggregate classification (germline): Uncertain significance (1 of 4 stars; one submission).

Conditions:
Multiple congenital exostosis (EXT). Also called: Multiple osteochondromas; Hereditary multiple osteochondromas; MULTIPLE CARTILAGINOUS EXOSTOSES; Multiple exostoses; Hereditary multiple exostoses; Hereditary multiple exostosis. Identifiers: Orphanet 321, MedGen C0015306, MONDO:0005508, HP:0002762.

gnomAD v4.1: 13 of 1,612,870 alleles (0.00081%); highest among the groups gnomAD compares: Non-Finnish European, 0.001%; no homozygotes.

Submission:

Labcorp Genetics (formerly Invitae), Labcorp
Classification: Uncertain significance for Multiple congenital exostosis. Last evaluated: 2025-09-02. Review status: criteria provided, single submitter. Criteria: Invitae Variant Classification Sherloc (09022015). Collection method: clinical testing. Allele origin: germline.
Comment: This sequence change replaces aspartic acid, which is acidic and polar, with glutamic acid, which is acidic and polar, at codon 432 of the EXT1 protein (p.Asp432Glu). This variant is present in population databases (rs748311058, gnomAD 0.0009%). This variant has not been reported in the literature in individuals affected with EXT1-related conditions. ClinVar contains an entry for this variant (Variation ID: 2153955). Invitae Evidence Modeling of protein sequence and biophysical properties (such as structural, functional, and spatial information, amino acid conservation, physicochemical variation, residue mobility, and thermodynamic stability) indicates that this missense variant is not expected to disrupt EXT1 protein function with a negative predictive value of 80%. In summary, the available evidence is currently insufficient to determine the role of this variant in disease. Therefore, it has been classified as a Variant of Uncertain Significance.